The following is an entry in ClinVar:

NM_004706.4(ARHGEF1):c.1082C>T (p.Ala361Val)

Gene: ARHGEF1 (Rho guanine nucleotide exchange factor 1; plus strand). Cytogenetic location: 19q13.2.
Variant type: single nucleotide variant.
Coding change: c.1082C>T on transcript NM_004706.4 (MANE Select); coding-DNA position 1082, C replaced by T.
Protein change: p.Ala361Val; replaces alanine 361 with valine.
Molecular consequence: missense variant. On other transcripts: non-coding transcript variant (2).
Genome position (GRCh38, 1-based): chr19:41,896,443, C>T. VCF-style: chr19-41896443-C-T. GRCh37 (hg19) VCF-style: chr19-42400516-C-T.
Other names: c.1127C>T (NM_199002.1); c.1082C>T, p.Ala361Val (NM_001396000.1, NM_001396003.1, NM_001396006.1); c.983C>T, p.Ala328Val (NM_001396002.1, NM_001396004.1, NM_198977.2); c.1127C>T, p.Ala376Val (NM_199002.2); short protein forms A376V, A328V, A361V.
Identifiers: ClinVar variation 2750338 (VCV002750338.4), dbSNP rs373879693, ClinGen allele CA9466184.

ClinVar aggregate classification (germline): Uncertain significance. Review status: criteria provided, multiple submitters, no conflicts (2 of 4 stars). 2 submissions from 2 submitters: Uncertain significance (2). Last evaluated 2024-06-02.

Allele frequency attached by ClinVar (database versions not stated): gnomAD exomes 0.00002; ExAC 0.00008; ESP Exome Variant Server 0.00008; gnomAD 0.00010; TOPMed 0.00010; 1000 Genomes Project 30x 0.00016; 1000 Genomes Project 0.00020.
gnomAD v4.1: 47 of 1,478,126 alleles (0.0032%); highest among the groups gnomAD compares: African/African-American, 0.023%; no homozygotes.

Submissions (2):

Labcorp Genetics (formerly Invitae), Labcorp
Classification: Uncertain significance. Last evaluated: 2024-06-02. Review status: criteria provided, single submitter. Criteria: Invitae Variant Classification Sherloc (09022015). Collection method: clinical testing. Allele origin: germline.
Comment: This sequence change replaces alanine, which is neutral and non-polar, with valine, which is neutral and non-polar, at codon 376 of the ARHGEF1 protein (p.Ala376Val). The frequency data for this variant in the population databases is considered unreliable, as metrics indicate poor data quality at this position in the gnomAD database. This variant has not been reported in the literature in individuals affected with ARHGEF1-related conditions. Algorithms developed to predict the effect of missense changes on protein structure and function output the following: SIFT: "Not Available"; PolyPhen-2: "Benign"; Align-GVGD: "Not Available". The valine amino acid residue is found in multiple mammalian species, which suggests that this missense change does not adversely affect protein function. In summary, the available evidence is currently insufficient to determine the role of this variant in disease. Therefore, it has been classified as a Variant of Uncertain Significance.

Ambry Genetics
Classification: Uncertain significance. Last evaluated: 2023-12-18. Review status: criteria provided, single submitter. Criteria: Ambry Variant Classification Scheme 2023. Collection method: clinical testing. Allele origin: germline.